The following is an entry in ClinVar:

NC_012920.1(MT-ND4L):m.10750A>G

Gene: MT-ND4L (mitochondrially encoded NADH dehydrogenase 4L; plus strand).
Variant type: single nucleotide variant.
Genome position: chrM-10750-A-G.
Identifiers: ClinVar variation 693314 (VCV000693314.1), dbSNP rs372297272, ClinGen allele CA337098990.

ClinVar aggregate classification (germline): Benign (1 of 4 stars; one submission).

Conditions:
Leigh syndrome (NULS). Also called: Leigh's necrotizing encephalopathy; Leigh's disease; Leigh Syndrome (mtDNA deletion); Leigh Disease; Subacute necrotizing encephalopathy; Necrotizing encephalopathy infantile subacute of Leigh. Identifiers: Orphanet 506, MedGen C2931891, MONDO:0009723, OMIM 256000.

Submission:

Wong Mito Lab, Molecular and Human Genetics, Baylor College of Medicine
Classification: Benign for Leigh syndrome. Last evaluated: 2019-10-17. Review status: criteria provided, single submitter. Criteria: Modified ACMG Guidelines (Unpublished). Collection method: clinical testing. Allele origin: germline.
Comment: The NC_012920.1:m.10750A>G (YP_003024034.1:p.Asn94Ser) variant in MTND4L gene is interpretated to be a Benign variant based on the modified ACMG guidelines (unpublished). This variant meets the following evidence codes: BS1, BS2, BP4